The following is an entry in ClinVar:

ClinVar aggregate classification (germline): Likely benign (0 of 4 stars; one submission).

Conditions:
MUC16-related disorder. Also called: MUC16-related condition.

Allele frequency attached by ClinVar (database versions not stated): 1000 Genomes Project 30x 0.02623; ExAC 0.07728.

Submission:

PreventionGenetics, part of Exact Sciences
Classification: Likely benign for MUC16-related condition. Last evaluated: 2019-10-16. Review status: no assertion criteria provided. Collection method: clinical testing. Allele origin: germline.
Comment: This variant is classified as likely benign based on ACMG/AMP sequence variant interpretation guidelines (Richards et al. 2015 PMID: 25741868, with internal and published modifications).

NM_001401501.2(MUC16):c.37049+7A>C

Gene: MUC16 (mucin 16, cell surface associated; minus strand). Cytogenetic location: 19p13.2.
Variant type: single nucleotide variant.
Coding change: c.37049+7A>C on transcript NM_001401501.2 (MANE Select); 7 bases into the intron after coding-DNA position 37049, A replaced by C.
Molecular consequence: intron variant.
Genome position (GRCh38, 1-based): chr19:8,914,908, T>G on the plus strand (A>C on the coding strand, the complement: MUC16 is on the minus strand). VCF-style: chr19-8914908-T-G. GRCh37 (hg19) VCF-style: chr19-9025584-T-G.
Other names: c.37475+7A>C (NM_001414686.1); c.36929+7A>C (NM_001414687.1); c.36863+7A>C (NM_024690.2).
Identifiers: ClinVar variation 3058992 (VCV003058992.2), dbSNP rs77811999, ClinGen allele CA9165518.
Genomic context (GRCh38, chr19:8,914,908, plus strand): 5'-AAGCAGTGCAAAGTCTTTTGGAGTGAGTACAAGTGGGGCAGCCAGGCTGGAAATTCTAAG[T>G]TCTCACCTGAGCAAGGTCAATCTGCAGCCAGAGTACAGAGGGCCAACACTGGTGTTCTTG-3'